The following is an entry in ClinVar:

ClinVar aggregate classification (germline): Conflicting classifications of pathogenicity. Review status: criteria provided, conflicting classifications (1 of 4 stars). 13 submissions from 13 submitters: Uncertain significance (7); Likely benign (3). 3 of the submissions do not count toward it. Last evaluated 2025-11-17.

Conditions:
BRCA2-related cancer predisposition. Identifiers: MedGen CN377758, MONDO:0700269.
Breast and/or ovarian cancer. Identifiers: MedGen CN221562.
Hereditary cancer-predisposing syndrome. Also called: Neoplastic Syndromes, Hereditary; Tumor predisposition; Hereditary Cancer Syndrome; Hereditary neoplastic syndrome. Identifiers: Orphanet 140162, MedGen C0027672, MeSH D009386, MONDO:0015356.
Hereditary breast ovarian cancer syndrome. Also called: Hereditary breast and ovarian cancer; Breast and ovarian cancer; Hereditary breast and/or ovarian cancer syndrome; Hereditary breast and ovarian cancer syndrome (HBOC); Hereditary breast and ovarian cancer syndrome; BRCA1- and BRCA2-Associated Hereditary Breast and Ovarian Cancer. Identifiers: Orphanet 145, MedGen C0677776, MeSH D061325, MONDO:0003582. Disease mechanism: loss of function.
Breast-ovarian cancer, familial, susceptibility to, 2 (BROVCA2). Also called: BRCA2 Hereditary Breast and Ovarian Cancer. Identifiers: Orphanet 145, MedGen C2675520, MONDO:0012933, OMIM 612555. Disease mechanism: loss of function.
Malignant tumor of breast. Also called: Malignant breast neoplasm; Cancer breast. Identifiers: MedGen C0006142, MONDO:0007254. Disease mechanism: loss of function.

Allele frequency attached by ClinVar (database versions not stated): gnomAD exomes below 0.00001; ExAC 0.00001.
gnomAD v4.1: 8 of 1,607,360 alleles (0.0005%); highest among the groups gnomAD compares: Middle Eastern, 0.017%; no homozygotes.

Submissions (13):

Labcorp Genetics (formerly Invitae), Labcorp
Classification: Uncertain significance for Hereditary breast ovarian cancer syndrome. Last evaluated: 2025-11-17. Review status: criteria provided, single submitter. Criteria: Invitae Variant Classification Sherloc (09022015). Collection method: clinical testing. Allele origin: germline.
Comment: This sequence change replaces histidine, which is basic and polar, with arginine, which is basic and polar, at codon 2090 of the BRCA2 protein (p.His2090Arg). This variant is present in population databases (rs397507366, gnomAD 0.0009%). This missense change has been observed in individual(s) with clinical features of BRCA2-related conditions (PMID: 32885271, 32994724). ClinVar contains an entry for this variant (Variation ID: 38030). Invitae Evidence Modeling of protein sequence and biophysical properties (such as structural, functional, and spatial information, amino acid conservation, physicochemical variation, residue mobility, and thermodynamic stability) indicates that this missense variant is not expected to disrupt BRCA2 protein function with a negative predictive value of 95%. In summary, the available evidence is currently insufficient to determine the role of this variant in disease. Therefore, it has been classified as a Variant of Uncertain Significance.

CeGaT Center for Human Genetics Tuebingen
Classification: Likely benign. Last evaluated: 2025-02-01. Review status: criteria provided, single submitter. Criteria: CeGaT Center For Human Genetics Tuebingen Variant Classification Criteria Version 2. Collection method: clinical testing. Allele origin: germline. Affected: yes. Observed: 1 variant allele.
Comment: BRCA2: BP1, BP4

All of Us Research Program, National Institutes of Health
Classification: Uncertain significance for BRCA2-related cancer predisposition. Last evaluated: 2024-08-30. Review status: criteria provided, single submitter. Criteria: ACMG Guidelines, 2015. Collection method: clinical testing. Allele origin: germline. Inheritance: Autosomal dominant inheritance. Observed: 2 variant alleles, 2 heterozygotes.
Comment: This missense variant replaces histidine with arginine at codon 2090 of the BRCA2 protein. Computational prediction suggests that this variant may not impact protein structure and function (internally defined REVEL score threshold <= 0.5, PMID: 27666373). To our knowledge, functional studies have not been reported for this variant. This variant has been reported in an individual affected with breast cancer, an individual affected with prostate cancer, and an individual affected with breast and pancreatic cancer (PMID: 32885271, 32994724, 35599270). This variant has been identified in 1/244318 chromosomes in the general population by the Genome Aggregation Database (gnomAD). The available evidence is insufficient to determine the role of this variant in disease conclusively. Therefore, this variant is classified as a Variant of Uncertain Significance.

This study involves interpretation of variants in research participants for the purpose of population health screening. Participant phenotype was not available at the time of variant classification. Additional details can be found in publication PMID: 35346344, PMCID: PMC8962531

Color Diagnostics, LLC DBA Color Health
Classification: Uncertain significance for Hereditary cancer-predisposing syndrome. Last evaluated: 2024-08-23. Review status: criteria provided, single submitter. Criteria: ACMG Guidelines, 2015. Collection method: clinical testing. Allele origin: germline.
Comment: This missense variant replaces histidine with arginine at codon 2090 of the BRCA2 protein. Computational prediction suggests that this variant may not impact protein structure and function (internally defined REVEL score threshold <= 0.5, PMID: 27666373). To our knowledge, functional studies have not been reported for this variant. This variant has been reported in an individual affected with breast cancer, an individual affected with prostate cancer, and an individual affected with breast and pancreatic cancer (PMID: 32885271, 32994724, 35599270). This variant has been identified in 1/244318 chromosomes in the general population by the Genome Aggregation Database (gnomAD). The available evidence is insufficient to determine the role of this variant in disease conclusively. Therefore, this variant is classified as a Variant of Uncertain Significance.

Quest Diagnostics Nichols Institute San Juan Capistrano
Classification: Uncertain significance. Last evaluated: 2024-08-02. Review status: criteria provided, single submitter. Criteria: Quest Diagnostics criteria. Collection method: clinical testing. Allele origin: unknown.

CHEO Genetics Diagnostic Laboratory, Children's Hospital of Eastern Ontario
Classification: Uncertain significance for Breast and/or ovarian cancer. Last evaluated: 2023-05-01. Review status: criteria provided, single submitter. Criteria: ACMG Guidelines, 2015. Collection method: clinical testing. Allele origin: germline.

University of Washington Department of Laboratory Medicine, University of Washington
Classification: Likely benign for Hereditary cancer-predisposing syndrome. Last evaluated: 2023-03-23. Review status: criteria provided, single submitter. Criteria: Dines et al. (Genet Med. 2020). Collection method: curation. Allele origin: germline.
Comment: Missense variant in a coldspot region where missense variants are very unlikely to be pathogenic (PMID:31911673).

BRCA2 exon 11 coldspot. Reclassification based on statistical prior probability.

GeneDx
Classification: Uncertain significance. Last evaluated: 2022-11-10. Review status: criteria provided, single submitter. Criteria: GeneDx Variant Classification Process June 2021. Collection method: clinical testing. Allele origin: germline. Affected: yes.
Comment: Observed in apparent homozygous state in an individual with breast cancer; further clinical details concerning presence or absence of features of Fanconi anemia were not provided (Alanazi et al., 2020); In silico analysis supports that this missense variant does not alter protein structure/function; Not observed at significant frequency in large population cohorts (gnomAD); Also known as 6497A>G; This variant is associated with the following publications: (PMID: 32994724)

Women's Health and Genetics/Laboratory Corporation of America, LabCorp
Classification: Uncertain significance. Last evaluated: 2020-04-03. Review status: criteria provided, single submitter. Criteria: LabCorp Variant Classification Summary - May 2015. Collection method: clinical testing. Allele origin: germline.
Comment: Variant summary: BRCA2 c.6269A>G (p.His2090Arg) results in a non-conservative amino acid change in the encoded protein sequence. Four of five in-silico tools predict a benign effect of the variant on protein function. The variant allele was found at a frequency of 4.1e-06 in 244318 control chromosomes. The available data on variant occurrences in the general population are insufficient to allow any conclusion about variant significance. To our knowledge, no occurrence of c.6269A>G in individuals affected with Hereditary Breast and Ovarian Cancer and no experimental evidence demonstrating its impact on protein function have been reported. Three clinical diagnostic laboratories have submitted clinical-significance assessments for this variant to ClinVar after 2014 without evidence for independent evaluation. Based on the evidence outlined above, the variant was classified as uncertain significance.

Ambry Genetics
Classification: Likely benign for Hereditary cancer-predisposing syndrome. Last evaluated: 2019-04-26. Review status: criteria provided, single submitter. Criteria: Ambry Variant Classification Scheme 2023. Collection method: clinical testing. Allele origin: germline.

Counsyl
Classification: Uncertain significance for Breast-ovarian cancer, familial, susceptibility to, 2. Last evaluated: 2017-02-01. Review status: no assertion criteria provided. Collection method: clinical testing. Allele origin: unknown. Not counted in ClinVar's aggregate classification.

Sharing Clinical Reports Project (SCRP)
Classification: Uncertain significance for Breast-ovarian cancer, familial 2. Last evaluated: 2012-02-24. Review status: no assertion criteria provided. Collection method: clinical testing. Allele origin: germline. Not counted in ClinVar's aggregate classification.

Department of Pathology and Laboratory Medicine, Sinai Health System
Classification: Uncertain significance for Malignant tumor of breast. Review status: no assertion criteria provided. Collection method: clinical testing. Allele origin: unknown. Affected: yes. Study: The Canadian Open Genetics Repository (COGR). Not counted in ClinVar's aggregate classification.
Comment: BRCA2, EXON11, c.6269A>G, p.His2090Arg, Heterozygous, Uncertain SignificancernThe BRCA2 p.His2090Arg variant was not identified in the literature nor was it identified in the UMD-LSDB database. The variant was identified in dbSNP (rs397507366) as â€šÃ„Ãºwith likely benign alleleâ€šÃ„Ã¹, ClinVar (classified as uncertain significance by Color, Counsyl and SCRP; and as likely benign by Ambry Genetics) and LOVD 3.0 (observed 1X). The variant was identified in control databases in 1 of 239,480 chromosomes at a frequency of 0.000004 (Genome Aggregation Database Feb 27, 2017). It was observed in the European population in 1 of 109,466 chromosomes (freq: 0.000009); it was not observed in the African, Other, Latino, Ashkenazi Jewish, East Asian, Finnish, or South Asian populations. The p.His2090 residue is not conserved in mammals and computational analyses (PolyPhen-2, SIFT, AlignGVGD, BLOSUM, MutationTaster) do not suggest a high likelihood of impact to the protein; however, this information is not predictive enough to rule out pathogenicity. The variant occurs outside of the splicing consensus sequence and in silico or computational prediction software programs (SpliceSiteFinder, MaxEntScan, NNSPLICE, GeneSplicer) do not predict a difference in splicing. In summary, based on the above information, the clinical significance of this variant cannot be determined with certainty at this time. This variant is classified as a variant of uncertain significance. Assessment Date: 2019/07/23.

Literature cited by the submitters: PubMed 32885271 (cited by 4 submitters); PubMed 32994724 (cited by 4 submitters); PubMed 35599270 (cited by 3 submitters); PubMed 31911673 (cited by Quest Diagnostics Nichols Institute San Juan Capistrano).

NM_000059.4(BRCA2):c.6269A>G (p.His2090Arg)

Gene: BRCA2 (BRCA2 DNA repair associated; plus strand). Cytogenetic location: 13q13.1.
Variant type: single nucleotide variant.
Coding change: c.6269A>G on transcript NM_000059.4 (MANE Select); coding-DNA position 6269, A replaced by G.
Protein change: p.His2090Arg; replaces histidine 2090 with arginine.
Molecular consequence: missense variant.
Genome position (GRCh38, 1-based): chr13:32,340,624, A>G. VCF-style: chr13-32340624-A-G. GRCh37 (hg19) VCF-style: chr13-32914761-A-G.
Other names: 6497A>G; short protein forms H2090R.
Identifiers: ClinVar variation 38030 (VCV000038030.45), dbSNP rs397507366, ClinGen allele CA023799.
Genomic context (GRCh38, chr13:32,340,624, plus strand): 5'-AAAGTTCCTTACACAAAGTTAAGGGAGTGTTAGAGGAATTTGATTTAATCAGAACTGAGC[A>G]TAGTCTTCACTATTCACCTACGTCTAGACAAAATGTATCAAAAATACTTCCTCGTGTTGA-3'
Protein context (NP_000050.3, residues 2080-2100): LEEFDLIRTE[His2090Arg]SLHYSPTSRQ